The following is an entry in ClinVar:

ClinVar aggregate classification (germline): Uncertain significance (1 of 4 stars; one submission).

Conditions:
Inborn genetic diseases. Identifiers: MedGen C0950123, MeSH D030342.

Allele frequency attached by ClinVar (database versions not stated): gnomAD 0.00001; gnomAD exomes 0.00002; ExAC 0.00007.

Submission:

Ambry Genetics
Classification: Uncertain significance for Inborn genetic diseases. Last evaluated: 2021-02-11. Review status: criteria provided, single submitter. Criteria: Ambry Variant Classification Scheme 2023. Collection method: clinical testing. Allele origin: germline.
Comment: The c.1364C>G (p.A455G) alteration is located in exon 11 (coding exon 10) of the ATP5A1 gene. This alteration results from a C to G substitution at nucleotide position 1364, causing the alanine (A) at amino acid position 455 to be replaced by a glycine (G). The p.A455G alteration is predicted to be tolerated by in silico analysis. Based on insufficient or conflicting evidence, the clinical significance of this alteration remains unclear.

NM_004046.6(ATP5F1A):c.1364C>G (p.Ala455Gly)

Gene: ATP5F1A (ATP synthase F1 subunit alpha; minus strand). Cytogenetic location: 18q21.1.
Variant type: single nucleotide variant.
Coding change: c.1364C>G on transcript NM_004046.6 (MANE Select); coding-DNA position 1364, C replaced by G.
Protein change: p.Ala455Gly; replaces alanine 455 with glycine.
Molecular consequence: missense variant.
Genome position (GRCh38, 1-based): chr18:46,086,178, G>C on the plus strand (C>G on the coding strand, the complement: ATP5F1A is on the minus strand). VCF-style: chr18-46086178-G-C. GRCh37 (hg19) VCF-style: chr18-43666144-G-C.
Other names: c.1214C>G, p.Ala405Gly (NM_001001935.3, NM_001257335.2); c.1364C>G, p.Ala455Gly (NM_001001937.2); c.1298C>G, p.Ala433Gly (NM_001257334.2); short protein forms A433G, A455G, A405G.
Identifiers: ClinVar variation 3131649 (VCV003131649.1), dbSNP rs762945602, ClinGen allele CA8950584.